The following is an entry in ClinVar:

NM_001148.6(ANK2):c.6545A>G (p.Tyr2182Cys)

Gene: ANK2 (ankyrin 2; plus strand). Cytogenetic location: 4q26.
Variant type: single nucleotide variant.
Coding change: c.6545A>G on transcript NM_001148.6 (MANE Select); coding-DNA position 6545, A replaced by G.
Protein change: p.Tyr2182Cys; replaces tyrosine 2182 with cysteine.
Molecular consequence: missense variant. On other transcripts: intron variant (68).
Genome position (GRCh38, 1-based): chr4:113,355,163, A>G. VCF-style: chr4-113355163-A-G. GRCh37 (hg19) VCF-style: chr4-114276319-A-G.
Other names: c.6311A>G, p.Tyr2104Cys (NM_001386142.1); c.2945A>G, p.Tyr982Cys (NM_001386166.1); c.6686A>G, p.Tyr2229Cys (NM_001386174.1); c.6662A>G, p.Tyr2221Cys (NM_001386175.1); c.4411+4914A>G (NM_001386186.2, NM_001386148.2); c.4213+4914A>G (NM_001354269.3); c.4291+4914A>G (NM_001386187.2); c.4252+4914A>G (NM_001386147.1); and 35 more; short protein forms Y2182C, Y2104C, Y2221C, Y2229C, Y982C.
Identifiers: ClinVar variation 519411 (VCV000519411.13), dbSNP rs1421417952, ClinGen allele CA357924265.

ClinVar aggregate classification (germline): Uncertain significance. Review status: criteria provided, multiple submitters, no conflicts (2 of 4 stars). 2 submissions from 2 submitters: Uncertain significance (2). Last evaluated 2025-08-30.

Conditions:
Cardiovascular phenotype. Identifiers: MedGen CN230736.
Long QT syndrome (LQTS). Identifiers: MedGen C0023976, MeSH D008133, MONDO:0002442. Disease mechanism: loss of function. Inheritance: Various modes of inheritance.

Allele frequency attached by ClinVar (database versions not stated): gnomAD 0.00001; gnomAD exomes 0.00001; TOPMed 0.00001.
gnomAD v4.1: 13 of 1,614,034 alleles (0.00081%); highest among the groups gnomAD compares: Non-Finnish European, 0.001%; no homozygotes.

Submissions (2):

Labcorp Genetics (formerly Invitae), Labcorp
Classification: Uncertain significance for Long QT syndrome. Last evaluated: 2025-08-30. Review status: criteria provided, single submitter. Criteria: Invitae Variant Classification Sherloc (09022015). Collection method: clinical testing. Allele origin: germline.
Comment: This sequence change replaces tyrosine, which is neutral and polar, with cysteine, which is neutral and slightly polar, at codon 2182 of the ANK2 protein (p.Tyr2182Cys). This variant is not present in population databases (gnomAD no frequency). This variant has not been reported in the literature in individuals affected with ANK2-related conditions. ClinVar contains an entry for this variant (Variation ID: 519411). An algorithm developed to predict the effect of missense changes on protein structure and function (PolyPhen-2) suggests that this variant is likely to be disruptive. In summary, the available evidence is currently insufficient to determine the role of this variant in disease. Therefore, it has been classified as a Variant of Uncertain Significance.

Ambry Genetics
Classification: Uncertain significance for Cardiovascular phenotype. Last evaluated: 2025-02-27. Review status: criteria provided, single submitter. Criteria: Ambry Variant Classification Scheme 2023. Collection method: clinical testing. Allele origin: germline.